The following is an entry in ClinVar:

ClinVar aggregate classification (germline): Conflicting classifications of pathogenicity. Review status: criteria provided, conflicting classifications (1 of 4 stars). 3 submissions from 3 submitters: Likely pathogenic (2); Uncertain significance (1). Last evaluated 2025-10-07.

Conditions:
Early-infantile DEE. Also called: Ohtahara syndrome; Early infantile epileptic encephalopathy with suppression bursts; Early infantile epileptic encephalopathy. Identifiers: Orphanet 1934, MedGen C0393706, MONDO:0800491.
Developmental and epileptic encephalopathy, 7 (DEE7). Also called: KCNQ2-Related Neonatal Epileptic Encephalopathy; Early infantile epileptic encephalopathy 7; KCNQ2-Related Neonatal-Onset Developmental and Epileptic Encephalopathy (NEO-DEE). Identifiers: Orphanet 439218, MedGen C3150986, MONDO:0013387, OMIM 613720.

Submissions (3):

3billion
Classification: Likely pathogenic for Developmental and epileptic encephalopathy, 7. Last evaluated: 2025-10-07. Review status: criteria provided, single submitter. Criteria: ACMG Guidelines, 2015. Collection method: clinical testing. Allele origin: germline. Affected: yes.
Comment: The variant is not observed in the gnomAD v4.1.0 dataset. Predicted Consequence/Location: The variant is located in a mutational hot spot and/or well-established functional domain in which established pathogenic variants have been reported. In silico tool predictions suggest damaging effect of the variant on gene or gene product [REVEL: 0.70 (>=0.6, sensitivity 0.68 and specificity 0.92); 3Cnet: 1.00 (> 0.75, sensitivity 0.96 and precision 0.92)]. The same nucleotide change resulting in the same amino acid change has been previously reported to be associated with KCNQ2-related disorder (ClinVar ID: VCV000872261). Different missense changes at the same codon (p.Ala235Gly, p.Ala235Val) have been reported as pathogenic/likely pathogenic with strong evidence (ClinVar ID: VCV000211235, VCV001959325 /PMID: 31418850). Therefore, this variant is classified as Likely pathogenic according to the recommendation of ACMG/AMP guideline.

Labcorp Genetics (formerly Invitae), Labcorp
Classification: Likely pathogenic for Early-infantile DEE. Last evaluated: 2022-09-12. Review status: criteria provided, single submitter. Criteria: Invitae Variant Classification Sherloc (09022015). Collection method: clinical testing. Allele origin: germline.
Comment: This variant disrupts the p.Ala235 amino acid residue in KCNQ2. Other variant(s) that disrupt this residue have been determined to be pathogenic (Invitae). This suggests that this residue is clinically significant, and that variants that disrupt this residue are likely to be disease-causing. Advanced modeling of protein sequence and biophysical properties (such as structural, functional, and spatial information, amino acid conservation, physicochemical variation, residue mobility, and thermodynamic stability) has been performed at Invitae for this missense variant, however the output from this modeling did not meet the statistical confidence thresholds required to predict the impact of this variant on KCNQ2 protein function. ClinVar contains an entry for this variant (Variation ID: 872261). This missense change has been observed in individual(s) with benign familial neonatal seizure (PMID: 32613771). This variant is not present in population databases (gnomAD no frequency). This sequence change replaces alanine, which is neutral and non-polar, with threonine, which is neutral and polar, at codon 235 of the KCNQ2 protein (p.Ala235Thr). In summary, the currently available evidence indicates that the variant is pathogenic, but additional data are needed to prove that conclusively. Therefore, this variant has been classified as Likely Pathogenic.

CeGaT Center for Human Genetics Tuebingen
Classification: Uncertain significance. Last evaluated: 2019-08-01. Review status: criteria provided, single submitter. Criteria: CeGaT Center For Human Genetics Tuebingen Variant Classification Criteria Version 2. Collection method: clinical testing. Allele origin: germline. Affected: yes. Observed: 3 variant alleles.

Literature cited by the submitters: PubMed 31418850 (cited by 3billion); PubMed 32613771 (cited by Labcorp Genetics (formerly Invitae), Labcorp).

NM_172107.4(KCNQ2):c.703G>A (p.Ala235Thr)

Gene: KCNQ2 (potassium voltage-gated channel subfamily Q member 2; minus strand). Cytogenetic location: 20q13.33.
Variant type: single nucleotide variant.
Coding change: c.703G>A on transcript NM_172107.4 (MANE Select); coding-DNA position 703, G replaced by A.
Protein change: p.Ala235Thr; replaces alanine 235 with threonine.
Molecular consequence: missense variant.
Genome position (GRCh38, 1-based): chr20:63,442,519, C>T on the plus strand (G>A on the coding strand, the complement: KCNQ2 is on the minus strand). VCF-style: chr20-63442519-C-T. GRCh37 (hg19) VCF-style: chr20-62073872-C-T.
Other names: c.703G>A, p.Ala235Thr (NM_004518.6, NM_172106.3, NM_172108.5 and 1 more transcripts); short protein forms A235T.
Identifiers: ClinVar variation 872261 (VCV000872261.49), dbSNP rs2081192615, ClinGen allele CA409654068.